The following is an entry in ClinVar:

Single allele

Genes: HBB (hemoglobin subunit beta; minus strand), HBD (hemoglobin subunit delta; minus strand), LOC106099062 (HBB recombination region; plus strand), LOC106099063 (HBD recombination region; plus strand), LOC107133510 (origin of replication at HBB; plus strand) and 2 more. Cytogenetic location: 11p15.4.
Variant type: Deletion.
Identifiers: ClinVar variation 3255364 (VCV003255364.2).

ClinVar aggregate classification (germline): Pathogenic (0 of 4 stars; one submission).

Conditions:
Beta-thalassemia HBB/LCRB. Identifiers: MedGen CN322236, MONDO:0013517, OMIM 613985.

Submission:

MOLECULAR BIOLOGY AND HUMAN GENETICS DIVISION, THE UNIVERSITY OF BURDWAN
Classification: Pathogenic for Beta-thalassemia HBB/LCRB. Last evaluated: 2022-07-26. Review status: no assertion criteria provided. Collection method: clinical testing. Allele origin: germline. Inheritance: Autosomal recessive inheritance. Affected: yes. Observed: 1 variant allele, 1 compound heterozygote.
Comment: The variant causes long deletion in HBB; HBD genomic region. When this variant present with another variant in HBB gene that causes severe anemia, patient require frequent transfusion in few cases Hepatosplenomegaly was observed